The following is an entry in ClinVar:

NM_005391.5(PDK3):c.248+3A>G

Gene: PDK3 (pyruvate dehydrogenase kinase 3; plus strand). Cytogenetic location: Xp22.11.
Variant type: single nucleotide variant.
Coding change: c.248+3A>G on transcript NM_005391.5 (MANE Select); 3 bases into the intron after coding-DNA position 248, A replaced by G.
Molecular consequence: intron variant.
Genome position (GRCh38, 1-based): chrX:24,494,886, A>G. VCF-style: chrX-24494886-A-G. GRCh37 (hg19) VCF-style: chrX-24513003-A-G.
Other names: c.248+3A>G (NM_001142386.3).
Identifiers: ClinVar variation 2138494 (VCV002138494.4), dbSNP rs2518575152, ClinGen allele CA2580100507.

ClinVar aggregate classification (germline): Uncertain significance (1 of 4 stars; one submission).

Conditions:
Charcot-Marie-Tooth disease X-linked dominant 6. Also called: CHARCOT-MARIE-TOOTH NEUROPATHY, X-LINKED DOMINANT, 6. Identifiers: Orphanet 352675, MedGen C3806702, MONDO:0010479, OMIM 300905.

Submission:

Labcorp Genetics (formerly Invitae), Labcorp
Classification: Uncertain significance for Charcot-Marie-Tooth disease X-linked dominant 6. Last evaluated: 2022-01-23. Review status: criteria provided, single submitter. Criteria: Invitae Variant Classification Sherloc (09022015). Collection method: clinical testing. Allele origin: germline.
Comment: This variant has not been reported in the literature in individuals affected with PDK3-related conditions. In summary, the available evidence is currently insufficient to determine the role of this variant in disease. Therefore, it has been classified as a Variant of Uncertain Significance. Variants that disrupt the consensus splice site are a relatively common cause of aberrant splicing (PMID: 17576681, 9536098). Algorithms developed to predict the effect of sequence changes on RNA splicing suggest that this variant is not likely to affect RNA splicing. This variant is not present in population databases (gnomAD no frequency). This sequence change falls in intron 2 of the PDK3 gene. It does not directly change the encoded amino acid sequence of the PDK3 protein. It affects a nucleotide within the consensus splice site.

Literature cited by the submitters: PubMed 17576681; PubMed 9536098.